The following is an entry in ClinVar:

ClinVar aggregate classification (germline): Uncertain significance (1 of 4 stars; one submission).

Conditions:
Atrioventricular septal defect 5 (AVSD5). Identifiers: MedGen C3280939, MONDO:0013769, OMIM 614474.

Allele frequency attached by ClinVar (database versions not stated): gnomAD exomes below 0.00001.
gnomAD v4.1: 2 of 1,533,508 alleles (0.00013%); highest among the groups gnomAD compares: Non-Finnish European, 0.00017%; no homozygotes.

Submission:

Labcorp Genetics (formerly Invitae), Labcorp
Classification: Uncertain significance for Atrioventricular septal defect 5. Last evaluated: 2022-07-22. Review status: criteria provided, single submitter. Criteria: Invitae Variant Classification Sherloc (09022015). Collection method: clinical testing. Allele origin: germline.
Comment: In summary, the available evidence is currently insufficient to determine the role of this variant in disease. Therefore, it has been classified as a Variant of Uncertain Significance. Algorithms developed to predict the effect of missense changes on protein structure and function are either unavailable or do not agree on the potential impact of this missense change (SIFT: "Tolerated"; PolyPhen-2: "Possibly Damaging"; Align-GVGD: "Class C0"). This variant has not been reported in the literature in individuals affected with GATA6-related conditions. This variant is not present in population databases (gnomAD no frequency). This sequence change replaces proline, which is neutral and non-polar, with arginine, which is basic and polar, at codon 371 of the GATA6 protein (p.Pro371Arg).

NM_005257.6(GATA6):c.1112C>G (p.Pro371Arg)

Gene: GATA6 (GATA binding protein 6; plus strand). Cytogenetic location: 18q11.2.
Variant type: single nucleotide variant.
Coding change: c.1112C>G on transcript NM_005257.6 (MANE Select); coding-DNA position 1112, C replaced by G.
Protein change: p.Pro371Arg; replaces proline 371 with arginine.
Molecular consequence: missense variant.
Genome position (GRCh38, 1-based): chr18:22,172,256, C>G. VCF-style: chr18-22172256-C-G. GRCh37 (hg19) VCF-style: chr18-19752217-C-G.
Other names: short protein forms P371R.
Identifiers: ClinVar variation 2122684 (VCV002122684.4), dbSNP rs2510627072, ClinGen allele CA401801832.